The following is an entry in ClinVar:

NM_000275.3(OCA2):c.649G>C (p.Val217Leu)

Gene: OCA2 (OCA2 melanosomal transmembrane protein; minus strand). Cytogenetic location: 15q13.1.
Variant type: single nucleotide variant.
Coding change: c.649G>C on transcript NM_000275.3 (MANE Select); coding-DNA position 649, G replaced by C.
Protein change: p.Val217Leu; replaces valine 217 with leucine.
Molecular consequence: missense variant.
Genome position (GRCh38, 1-based): chr15:28,018,555, C>G on the plus strand (G>C on the coding strand, the complement: OCA2 is on the minus strand). VCF-style: chr15-28018555-C-G. GRCh37 (hg19) VCF-style: chr15-28263701-C-G.
Other names: c.649G>C, p.Val217Leu (NM_001300984.2); short protein forms V217L.
Identifiers: ClinVar variation 1447316 (VCV001447316.6), dbSNP rs773252077, ClinGen allele CA391366495.

ClinVar aggregate classification (germline): Uncertain significance (1 of 4 stars; one submission).

Submission:

Labcorp Genetics (formerly Invitae), Labcorp
Classification: Uncertain significance. Last evaluated: 2021-11-05. Review status: criteria provided, single submitter. Criteria: Invitae Variant Classification Sherloc (09022015). Collection method: clinical testing. Allele origin: germline.
Comment: This sequence change replaces valine, which is neutral and non-polar, with leucine, which is neutral and non-polar, at codon 217 of the OCA2 protein (p.Val217Leu). This variant is not present in population databases (gnomAD no frequency). This variant has not been reported in the literature in individuals affected with OCA2-related conditions. Algorithms developed to predict the effect of missense changes on protein structure and function output the following: SIFT: "Tolerated"; PolyPhen-2: "Benign"; Align-GVGD: "Class C0". The leucine amino acid residue is found in multiple mammalian species, which suggests that this missense change does not adversely affect protein function. In summary, the available evidence is currently insufficient to determine the role of this variant in disease. Therefore, it has been classified as a Variant of Uncertain Significance.